The following is an entry in ClinVar:

ClinVar aggregate classification (germline): Uncertain significance. Review status: criteria provided, multiple submitters, no conflicts (2 of 4 stars). 2 submissions from 2 submitters: Uncertain significance (2). Last evaluated 2021-03-07.

Conditions:
Hereditary nonpolyposis colorectal neoplasms. Identifiers: MedGen C0009405, MeSH D003123.
Hereditary cancer-predisposing syndrome. Also called: Neoplastic Syndromes, Hereditary; Hereditary Cancer Syndrome; Tumor predisposition; Hereditary neoplastic syndrome. Identifiers: Orphanet 140162, MedGen C0027672, MeSH D009386, MONDO:0015356.

Submissions (2):

Ambry Genetics
Classification: Uncertain significance for Hereditary cancer-predisposing syndrome. Last evaluated: 2021-03-07. Review status: criteria provided, single submitter. Criteria: Ambry Variant Classification Scheme 2023. Collection method: clinical testing. Allele origin: germline.
Comment: The p.T152I variant (also known as c.455C>T), located in coding exon 2 of the MSH6 gene, results from a C to T substitution at nucleotide position 455. The threonine at codon 152 is replaced by isoleucine, an amino acid with similar properties. This amino acid position is not well conserved in available vertebrate species. In addition, this alteration is predicted to be tolerated by in silico analysis. Since supporting evidence is limited at this time, the clinical significance of this alteration remains unclear.

Labcorp Genetics (formerly Invitae), Labcorp
Classification: Uncertain significance for Hereditary nonpolyposis colorectal neoplasms. Last evaluated: 2018-04-16. Review status: criteria provided, single submitter. Criteria: Invitae Variant Classification Sherloc (09022015). Collection method: clinical testing. Allele origin: germline.
Comment: In summary, the available evidence is currently insufficient to determine the role of this variant in disease. Therefore, it has been classified as a Variant of Uncertain Significance. Algorithms developed to predict the effect of missense changes on protein structure and function do not agree on the potential impact of this missense change (SIFT: "Tolerated"; PolyPhen-2: "Possibly Damaging"; Align-GVGD: "Class C0"). This variant has not been reported in the literature in individuals with MSH6-related disease. This variant is not present in population databases (ExAC no frequency). This sequence change replaces threonine with isoleucine at codon 152 of the MSH6 protein (p.Thr152Ile). The threonine residue is weakly conserved and there is a moderate physicochemical difference between threonine and isoleucine.

NM_000179.3(MSH6):c.455C>T (p.Thr152Ile)

Gene: MSH6 (mutS homolog 6; plus strand). Cytogenetic location: 2p16.3.
Variant type: single nucleotide variant.
Coding change: c.455C>T on transcript NM_000179.3 (MANE Select); coding-DNA position 455, C replaced by T.
Protein change: p.Thr152Ile; replaces threonine 152 with isoleucine.
Molecular consequence: missense variant. On other transcripts: 5 prime UTR variant (2), intron variant (1).
Genome position (GRCh38, 1-based): chr2:47,791,121, C>T. VCF-style: chr2-47791121-C-T. GRCh37 (hg19) VCF-style: chr2-48018260-C-T.
Other names: c.-282C>T (NM_001281493.2); c.-448C>T (NM_001281494.2); c.238-7490C>T (NM_001281492.2); short protein forms T152I.
Identifiers: ClinVar variation 573769 (VCV000573769.11), dbSNP rs1553410385, ClinGen allele CA346737210.